The following is an entry in ClinVar:

ClinVar aggregate classification (germline): Pathogenic (1 of 4 stars; one submission).

Submission:

GeneDx
Classification: Pathogenic. Last evaluated: 2023-12-15. Review status: criteria provided, single submitter. Criteria: GeneDx Variant Classification Process June 2021. Collection method: clinical testing. Allele origin: germline. Affected: yes.
Comment: Nonsense variant predicted to result in protein truncation or nonsense mediated decay in a gene for which loss of function is a known mechanism of disease; Not observed at significant frequency in large population cohorts (gnomAD); Has not been previously published as pathogenic or benign to our knowledge

NM_018055.5(NODAL):c.110C>A (p.Ser37Ter)

Gene: NODAL (nodal growth differentiation factor; minus strand). Cytogenetic location: 10q22.1.
Variant type: single nucleotide variant.
Coding change: c.110C>A on transcript NM_018055.5 (MANE Select); coding-DNA position 110, C replaced by A.
Protein change: p.Ser37Ter; replaces serine 37 with a stop codon.
Molecular consequence: nonsense. On other transcripts: intron variant (1).
Genome position (GRCh38, 1-based): chr10:70,441,558, G>T on the plus strand (C>A on the coding strand, the complement: NODAL is on the minus strand). VCF-style: chr10-70441558-G-T. GRCh37 (hg19) VCF-style: chr10-72201314-G-T.
Other names: c.-206-5575C>A (NM_001329906.2); short protein forms S37*.
Identifiers: ClinVar variation 3338700 (VCV003338700.1).